The following is an entry in ClinVar:

NM_006206.6(PDGFRA):c.2674+5G>T

Gene: PDGFRA (platelet derived growth factor receptor alpha; plus strand). Cytogenetic location: 4q12.
Variant type: single nucleotide variant.
Coding change: c.2674+5G>T on transcript NM_006206.6 (MANE Select); 5 bases into the intron after coding-DNA position 2674, G replaced by T.
Molecular consequence: intron variant.
Genome position (GRCh38, 1-based): chr4:54,287,546, G>T. VCF-style: chr4-54287546-G-T. GRCh37 (hg19) VCF-style: chr4-55153713-G-T.
Other names: c.2749+5G>T (NM_001347828.2); c.2674+5G>T (NM_001347829.2); c.2713+5G>T (NM_001347830.2).
Identifiers: ClinVar variation 528565 (VCV000528565.8), dbSNP rs1553906278, ClinGen allele CA658796431.

ClinVar aggregate classification (germline): Uncertain significance. Review status: criteria provided, multiple submitters, no conflicts (2 of 4 stars). 2 submissions from 2 submitters: Uncertain significance (2). Last evaluated 2025-01-13.

Conditions:
Hereditary cancer-predisposing syndrome. Also called: Tumor predisposition; Hereditary neoplastic syndrome; Hereditary Cancer Syndrome; Neoplastic Syndromes, Hereditary. Identifiers: Orphanet 140162, MedGen C0027672, MeSH D009386, MONDO:0015356.
Gastrointestinal stromal tumor. Also called: Gastrointestinal stroma tumor; Gastrointestinal stromal tumor, somatic. Identifiers: Orphanet 44890, MedGen C0238198, MeSH D046152, MONDO:0011719, OMIM 606764, HP:0100723.

Allele frequency attached by ClinVar (database versions not stated): gnomAD exomes below 0.00001.
gnomAD v4.1: 1 of 1,110,180 alleles (0.00009%); highest among the groups gnomAD compares: Non-Finnish European, 0.00014%; no homozygotes.

Submissions (2):

Ambry Genetics
Classification: Uncertain significance for Hereditary cancer-predisposing syndrome. Last evaluated: 2025-01-13. Review status: criteria provided, single submitter. Criteria: Ambry Variant Classification Scheme 2023. Collection method: clinical testing. Allele origin: germline.
Comment: The c.2674+5G>T intronic variant results from a G to T substitution 5 nucleotides after coding exon 18 in the PDGFRA gene. This nucleotide position is highly conserved in available vertebrate species. In silico splice site analysis predicts that this alteration will not have any significant effect on splicing. Based on the available evidence, the clinical significance of this variant remains unclear.

Labcorp Genetics (formerly Invitae), Labcorp
Classification: Uncertain significance for Gastrointestinal stromal tumor. Last evaluated: 2017-10-10. Review status: criteria provided, single submitter. Criteria: Invitae Variant Classification Sherloc (09022015). Collection method: clinical testing. Allele origin: germline.
Comment: In summary, the available evidence is currently insufficient to determine the role of this variant in disease. Therefore, it has been classified as a Variant of Uncertain Significance. Nucleotide substitutions within the consensus splice site are a relatively common cause of aberrant splicing (PMID: 17576681, 9536098). Algorithms developed to predict the effect of sequence changes on RNA splicing suggest that this variant may disrupt the consensus splice site, but this prediction has not been confirmed by published transcriptional studies. This variant has not been reported in the literature in individuals with PDGFRA-related disease. This variant is not present in population databases (ExAC no frequency). This sequence change falls in intron 19 of the PDGFRA gene. It does not directly change the encoded amino acid sequence of the PDGFRA protein, but it affects a nucleotide within the consensus splice site of the intron.

Literature cited by the submitters: PubMed 17576681 (cited by Labcorp Genetics (formerly Invitae), Labcorp); PubMed 9536098 (cited by Labcorp Genetics (formerly Invitae), Labcorp).